The following is an entry in ClinVar:

ClinVar aggregate classification (germline): Likely benign (1 of 4 stars; one submission).

Conditions:
Ehlers-Danlos syndrome, type 4 (EDSVASC). Also called: Ehlers-Danlos Syndrome Type IV; Ehlers-Danlos syndrome vascular type; Ehlers Danlos syndrome, ecchymotic type; Ehlers Danlos syndrome, arterial type; Ehlers Danlos syndrome, Sack-Barabas type. Identifiers: Orphanet 286, MedGen C0268338, MONDO:0017314, OMIM 130050.

Allele frequency attached by ClinVar (database versions not stated): gnomAD exomes below 0.00001.
gnomAD v4.1: 2 of 1,614,008 alleles (0.00012%); highest among the groups gnomAD compares: Admixed American, 0.0017%; no homozygotes.

Submission:

All of Us Research Program, National Institutes of Health
Classification: Likely benign for Ehlers-Danlos syndrome, type 4. Last evaluated: 2023-09-17. Review status: criteria provided, single submitter. Criteria: ACMG Guidelines, 2015. Collection method: clinical testing. Allele origin: germline. Inheritance: Autosomal dominant inheritance. Observed: 1 variant allele, 1 heterozygote.
Comment: This study involves interpretation of variants in research participants for the purpose of population health screening. Participant phenotype was not available at the time of variant classification. Additional details can be found in publication PMID: 35346344, PMCID: PMC8962531

NM_000090.4(COL3A1):c.1017A>T (p.Gly339=)

Gene: COL3A1 (collagen type III alpha 1 chain; plus strand). Cytogenetic location: 2q32.2.
Variant type: single nucleotide variant.
Coding change: c.1017A>T on transcript NM_000090.4 (MANE Select); coding-DNA position 1017, A replaced by T.
Protein change: p.Gly339=; no amino-acid change (glycine 339 retained).
Molecular consequence: synonymous variant.
Genome position (GRCh38, 1-based): chr2:188,992,907, A>T. VCF-style: chr2-188992907-A-T. GRCh37 (hg19) VCF-style: chr2-189857633-A-T.
Identifiers: ClinVar variation 3073386 (VCV003073386.1), dbSNP rs1199862721, ClinGen allele CA430309293.